The following is an entry in ClinVar:

ClinVar aggregate classification (germline): Conflicting classifications of pathogenicity. Review status: criteria provided, conflicting classifications (1 of 4 stars). 2 submissions from 2 submitters: Uncertain significance (1); Likely benign (1). Last evaluated 2026-01-19.

Conditions:
Inborn genetic diseases. Identifiers: MedGen C0950123, MeSH D030342.
Episodic ataxia type 2 (EA2). Also called: ACETAZOLAMIDE-RESPONSIVE HEREDITARY PAROXYSMAL CEREBELLAR ATAXIA; ATAXIA, EPISODIC, WITH NYSTAGMUS; ATAXIA, FAMILIAL PAROXYSMAL; CEREBELLAR ATAXIA, PAROXYSMAL, ACETAZOLAMIDE-RESPONSIVE; CEREBELLOPATHY, HEREDITARY PAROXYSMAL; EPISODIC ATAXIA, NYSTAGMUS-ASSOCIATED. Identifiers: Orphanet 97, MedGen C1720416, MONDO:0007163, OMIM 108500.
Developmental and epileptic encephalopathy, 42 (DEE42A). Also called: DEVELOPMENTAL AND EPILEPTIC ENCEPHALOPATHY 42A; EPILEPTIC ENCEPHALOPATHY, EARLY INFANTILE, 42A; Epileptic encephalopathy, early infantile, 42. Identifiers: MedGen C4310716, MONDO:0014917, OMIM 617106.

Allele frequency attached by ClinVar (database versions not stated): ExAC 0.00010; TOPMed 0.00012; gnomAD 0.00023; 1000 Genomes Project 0.00060; 1000 Genomes Project 30x 0.00062.
gnomAD v4.1: 62 of 1,540,248 alleles (0.004%); highest among the groups gnomAD compares: Admixed American, 0.12%; no homozygotes.

Submissions (2):

Labcorp Genetics (formerly Invitae), Labcorp
Classification: Likely benign for Developmental and epileptic encephalopathy, 42; Episodic ataxia type 2. Last evaluated: 2026-01-19. Review status: criteria provided, single submitter. Criteria: Invitae Variant Classification Sherloc (09022015). Collection method: clinical testing. Allele origin: germline.

Ambry Genetics
Classification: Uncertain significance for Inborn genetic diseases. Last evaluated: 2018-07-24. Review status: criteria provided, single submitter. Criteria: Ambry Variant Classification Scheme 2023. Collection method: clinical testing. Allele origin: germline.
Comment: The p.T1013K variant (also known as c.3038C>A), located in coding exon 19 of the CACNA1A gene, results from a C to A substitution at nucleotide position 3038. The threonine at codon 1013 is replaced by lysine, an amino acid with similar properties. This amino acid position is conserved on limited sequence alignment. In addition, this alteration is predicted to be tolerated by in silico analysis. Since supporting evidence is limited at this time, the clinical significance of this alteration remains unclear.

NM_001127222.2(CACNA1A):c.3035C>A (p.Thr1012Lys)

Gene: CACNA1A (calcium voltage-gated channel subunit alpha1 A; minus strand). Cytogenetic location: 19p13.13.
Variant type: single nucleotide variant.
Coding change: c.3035C>A on transcript NM_001127222.2 (MANE Select); coding-DNA position 3035, C replaced by A.
Protein change: p.Thr1012Lys; replaces threonine 1012 with lysine.
Molecular consequence: missense variant.
Genome position (GRCh38, 1-based): chr19:13,298,598, G>T on the plus strand (C>A on the coding strand, the complement: CACNA1A is on the minus strand). VCF-style: chr19-13298598-G-T. GRCh37 (hg19) VCF-style: chr19-13409412-G-T.
Other names: c.3047C>A, p.Thr1016Lys (NM_000068.4, NM_023035.3); c.3038C>A, p.Thr1013Lys (NM_001127221.2, NM_001174080.2); short protein forms T1013K, T1012K, T1016K.
Identifiers: ClinVar variation 846029 (VCV000846029.12), dbSNP rs573941336, ClinGen allele CA9240438.